The following is an entry in ClinVar:

ClinVar aggregate classification (germline): Uncertain significance. Review status: criteria provided, multiple submitters, no conflicts (2 of 4 stars). 2 submissions from 2 submitters: Uncertain significance (2). Last evaluated 2024-10-08.

Conditions:
Cardiovascular phenotype. Identifiers: MedGen CN230736.
Brugada syndrome. Also called: Sudden unexpected nocturnal death syndrome; Sudden unexplained nocturnal death syndrome; Sudden Unexplained Death Syndrome; Sudden Unexplained Nocturnal Death Syndrome (SUNDS). Identifiers: Orphanet 130, MedGen C1142166, MONDO:0015263.

Allele frequency attached by ClinVar (database versions not stated): gnomAD exomes below 0.00001 and 0.00003; ExAC 0.00001; gnomAD 0.00002; TOPMed 0.00002.
gnomAD v4.1: 41 of 1,613,706 alleles (0.0025%); highest among the groups gnomAD compares: Middle Eastern, 0.016%; no homozygotes.

Submissions (2):

Ambry Genetics
Classification: Uncertain significance for Cardiovascular phenotype. Last evaluated: 2024-10-08. Review status: criteria provided, single submitter. Criteria: Ambry Variant Classification Scheme 2023. Collection method: clinical testing. Allele origin: germline.
Comment: The p.R103W variant (also known as c.307C>T), located in coding exon 2 of the SCN10A gene, results from a C to T substitution at nucleotide position 307. The arginine at codon 103 is replaced by tryptophan, an amino acid with dissimilar properties. This amino acid position is conserved. In addition, this alteration is predicted to be deleterious by in silico analysis. Based on the available evidence, the clinical significance of this variant remains unclear.

Labcorp Genetics (formerly Invitae), Labcorp
Classification: Uncertain significance for Brugada syndrome. Last evaluated: 2022-07-12. Review status: criteria provided, single submitter. Criteria: Invitae Variant Classification Sherloc (09022015). Collection method: clinical testing. Allele origin: germline.
Comment: This sequence change replaces arginine, which is basic and polar, with tryptophan, which is neutral and slightly polar, at codon 103 of the SCN10A protein (p.Arg103Trp). This variant is present in population databases (rs750073618, gnomAD 0.002%). This variant has not been reported in the literature in individuals affected with SCN10A-related conditions. ClinVar contains an entry for this variant (Variation ID: 532120). Algorithms developed to predict the effect of missense changes on protein structure and function (SIFT, PolyPhen-2, Align-GVGD) all suggest that this variant is likely to be disruptive. In summary, the available evidence is currently insufficient to determine the role of this variant in disease. Therefore, it has been classified as a Variant of Uncertain Significance.

NM_006514.4(SCN10A):c.307C>T (p.Arg103Trp)

Gene: SCN10A (sodium voltage-gated channel alpha subunit 10; minus strand). Cytogenetic location: 3p22.2.
Variant type: single nucleotide variant.
Coding change: c.307C>T on transcript NM_006514.4 (MANE Select); coding-DNA position 307, C replaced by T.
Protein change: p.Arg103Trp; replaces arginine 103 with tryptophan.
Molecular consequence: missense variant.
Genome position (GRCh38, 1-based): chr3:38,792,132, G>A on the plus strand (C>T on the coding strand, the complement: SCN10A is on the minus strand). VCF-style: chr3-38792132-G-A. GRCh37 (hg19) VCF-style: chr3-38833623-G-A.
Other names: c.307C>T, p.Arg103Trp (NM_001293306.2, NM_001293307.2); c.307C>T (NM_006514.2); short protein forms R103W.
Identifiers: ClinVar variation 532120 (VCV000532120.6), dbSNP rs750073618, ClinGen allele CA2321253.